The following is an entry in ClinVar:

NM_001019.5(RPS15A):c.61G>A (p.Gly21Ser)

Gene: RPS15A (ribosomal protein S15a; minus strand). Cytogenetic location: 16p12.3.
Variant type: single nucleotide variant.
Coding change: c.61G>A on transcript NM_001019.5 (MANE Select); coding-DNA position 61, G replaced by A.
Protein change: p.Gly21Ser; replaces glycine 21 with serine.
Molecular consequence: missense variant.
Genome position (GRCh38, 1-based): chr16:18,789,053, C>T on the plus strand (G>A on the coding strand, the complement: RPS15A is on the minus strand). VCF-style: chr16-18789053-C-T. GRCh37 (hg19) VCF-style: chr16-18800375-C-T.
Other names: c.61G>A, p.Gly21Ser (NM_001030009.2); short protein forms G21S.
Identifiers: ClinVar variation 2993763 (VCV002993763.3), dbSNP rs2506634908, ClinGen allele CA394903992.
Genomic context (GRCh38, chr16:18,789,053, plus strand): 5'-TCACAGTGAGAAACCGGACGATGACTTTGGAGCACGGCCTAATAAGCACCTGGCGTTTGC[C>T]TCTCTTTTCGGCATTGTTGATACTCTTGAGAGCATCTGCCAGGACATTCATGCGCACCAT-3'
Protein context (NP_001010.2, residues 11-31): LKSINNAEKR[Gly21Ser]KRQVLIRPCS

ClinVar aggregate classification (germline): Uncertain significance (1 of 4 stars; one submission).

Allele frequency attached by ClinVar (database versions not stated): gnomAD exomes below 0.00001.
gnomAD v4.1: 5 of 1,614,198 alleles (0.00031%); highest among the groups gnomAD compares: Non-Finnish European, 0.00034%; no homozygotes.

Submission:

Labcorp Genetics (formerly Invitae), Labcorp
Classification: Uncertain significance. Last evaluated: 2023-01-14. Review status: criteria provided, single submitter. Criteria: Invitae Variant Classification Sherloc (09022015). Collection method: clinical testing. Allele origin: germline.
Comment: In summary, the available evidence is currently insufficient to determine the role of this variant in disease. Therefore, it has been classified as a Variant of Uncertain Significance. Algorithms developed to predict the effect of missense changes on protein structure and function (SIFT, PolyPhen-2, Align-GVGD) all suggest that this variant is likely to be disruptive. This variant has not been reported in the literature in individuals affected with RPS15A-related conditions. This variant is not present in population databases (gnomAD no frequency). This sequence change replaces glycine, which is neutral and non-polar, with serine, which is neutral and polar, at codon 21 of the RPS15A protein (p.Gly21Ser).